The following is an entry in ClinVar:

NM_020401.4(NUP107):c.161G>A (p.Arg54Gln)

Gene: NUP107 (nucleoporin 107; plus strand). Cytogenetic location: 12q15.
Variant type: single nucleotide variant.
Coding change: c.161G>A on transcript NM_020401.4 (MANE Select); coding-DNA position 161, G replaced by A.
Protein change: p.Arg54Gln; replaces arginine 54 with glutamine.
Molecular consequence: missense variant.
Genome position (GRCh38, 1-based): chr12:68,689,593, G>A. VCF-style: chr12-68689593-G-A. GRCh37 (hg19) VCF-style: chr12-69083373-G-A.
Other names: c.46G>A, p.Glu16Lys (NM_001330192.2); c.161G>A (NM_020401.2); short protein forms R54Q, E16K.
Identifiers: ClinVar variation 2198280 (VCV002198280.5), dbSNP rs139991199, ClinGen allele CA6677318.
Genomic context (GRCh38, chr12:68,689,593, plus strand): 5'-TTCAGGCATCTCAAGATGAAAATTTTGGTAATACTACACCAAGAAACCAGGTTATCCCTC[G>A]AACTCCTAGCTCATTTCGACAGCCTTGTAAGATTTTTTGCTTTTAAAGCATTTAATAATA-3'
Protein context (NP_065134.1, residues 44-64): NTTPRNQVIP[Arg54Gln]TPSSFRQPFT

ClinVar aggregate classification (germline): Uncertain significance. Review status: criteria provided, multiple submitters, no conflicts (2 of 4 stars). 3 submissions from 3 submitters: Uncertain significance (3). Last evaluated 2024-11-27.

Conditions:
Inborn genetic diseases. Identifiers: MedGen C0950123, MeSH D030342.

Allele frequency attached by ClinVar (database versions not stated): 1000 Genomes Project 30x 0.00016; 1000 Genomes Project 0.00020; gnomAD 0.00052; ExAC 0.00054; TOPMed 0.00057; gnomAD exomes 0.00082; ESP Exome Variant Server 0.00108.
gnomAD v4.1: 1,250 of 1,611,460 alleles (0.078%); highest among the groups gnomAD compares: Non-Finnish European, 0.099%; no homozygotes.

Submissions (3):

Blueprint Genetics
Classification: Uncertain significance. Last evaluated: 2024-11-27. Review status: criteria provided, single submitter. Criteria: ACMG Guidelines, 2015. Collection method: clinical testing. Allele origin: germline.

Labcorp Genetics (formerly Invitae), Labcorp
Classification: Uncertain significance. Last evaluated: 2024-10-22. Review status: criteria provided, single submitter. Criteria: Invitae Variant Classification Sherloc (09022015). Collection method: clinical testing. Allele origin: germline.
Comment: This sequence change replaces arginine, which is basic and polar, with glutamine, which is neutral and polar, at codon 54 of the NUP107 protein (p.Arg54Gln). This variant is present in population databases (rs139991199, gnomAD 0.08%), and has an allele count higher than expected for a pathogenic variant. This variant has not been reported in the literature in individuals affected with NUP107-related conditions. ClinVar contains an entry for this variant (Variation ID: 2198280). An algorithm developed to predict the effect of missense changes on protein structure and function (PolyPhen-2) suggests that this variant¬†is likely to be tolerated. Algorithms developed to predict the effect of sequence changes on RNA splicing suggest that this variant may disrupt the consensus splice site. In summary, the available evidence is currently insufficient to determine the role of this variant in disease. Therefore, it has been classified as a Variant of Uncertain Significance.

Ambry Genetics
Classification: Uncertain significance for Inborn genetic diseases. Last evaluated: 2021-05-17. Review status: criteria provided, single submitter. Criteria: Ambry Variant Classification Scheme 2023. Collection method: clinical testing. Allele origin: germline.